The following is an entry in ClinVar:

ClinVar aggregate classification (germline): Pathogenic (1 of 4 stars; one submission).

Submission:

Labcorp Genetics (formerly Invitae), Labcorp
Classification: Pathogenic. Last evaluated: 2022-10-04. Review status: criteria provided, single submitter. Criteria: Invitae Variant Classification Sherloc (09022015). Collection method: clinical testing. Allele origin: germline.
Comment: For these reasons, this variant has been classified as Pathogenic. This sequence change creates a premature translational stop signal (p.Trp129*) in the EBP gene. It is expected to result in an absent or disrupted protein product. Loss-of-function variants in EBP are known to be pathogenic (PMID: 10391218). This variant is not present in population databases (gnomAD no frequency). This premature translational stop signal has been observed in individual(s) with chondrodysplasia punctata (PMID: 11038443). ClinVar contains an entry for this variant (Variation ID: 1069093).

Literature cited by the submitters: PubMed 10391218; PubMed 11038443.

NM_006579.3(EBP):c.387G>A (p.Trp129Ter)

Gene: EBP (EBP cholestenol delta-isomerase; plus strand). Cytogenetic location: Xp11.23.
Variant type: single nucleotide variant.
Coding change: c.387G>A on transcript NM_006579.3 (MANE Select); coding-DNA position 387, G replaced by A.
Protein change: p.Trp129Ter; replaces tryptophan 129 with a stop codon.
Molecular consequence: nonsense.
Genome position (GRCh38, 1-based): chrX:48,527,203, G>A. VCF-style: chrX-48527203-G-A. GRCh37 (hg19) VCF-style: chrX-48385591-G-A.
Other names: short protein forms W129*.
Identifiers: ClinVar variation 1069093 (VCV001069093.10), dbSNP rs2147156501, ClinGen allele CA412852456.